The following is an entry in ClinVar:

ClinVar aggregate classification (germline): Uncertain significance. Review status: criteria provided, multiple submitters, no conflicts (2 of 4 stars). 2 submissions from 2 submitters: Uncertain significance (2). Last evaluated 2025-04-18.

Conditions:
Inborn genetic diseases. Identifiers: MedGen C0950123, MeSH D030342.

Allele frequency attached by ClinVar (database versions not stated): gnomAD exomes 0.00003; ExAC 0.00009; gnomAD 0.00001; TOPMed 0.00001.

Submissions (2):

Ambry Genetics
Classification: Uncertain significance for Inborn genetic diseases. Last evaluated: 2025-04-18. Review status: criteria provided, single submitter. Criteria: Ambry Variant Classification Scheme 2023. Collection method: clinical testing. Allele origin: germline.

Labcorp Genetics (formerly Invitae), Labcorp
Classification: Uncertain significance. Last evaluated: 2022-10-24. Review status: criteria provided, single submitter. Criteria: Invitae Variant Classification Sherloc (09022015). Collection method: clinical testing. Allele origin: germline.
Comment: This variant has not been reported in the literature in individuals affected with LAMC3-related conditions. This variant is present in population databases (rs777628619, gnomAD 0.009%). This sequence change replaces glycine, which is neutral and non-polar, with aspartic acid, which is acidic and polar, at codon 202 of the LAMC3 protein (p.Gly202Asp). Algorithms developed to predict the effect of missense changes on protein structure and function are either unavailable or do not agree on the potential impact of this missense change (SIFT: "Tolerated"; PolyPhen-2: "Probably Damaging"; Align-GVGD: "Class C0"). In summary, the available evidence is currently insufficient to determine the role of this variant in disease. Therefore, it has been classified as a Variant of Uncertain Significance.

NM_006059.4(LAMC3):c.605G>A (p.Gly202Asp)

Gene: LAMC3 (laminin subunit gamma 3; plus strand). Cytogenetic location: 9q34.12.
Variant type: single nucleotide variant.
Coding change: c.605G>A on transcript NM_006059.4 (MANE Select); coding-DNA position 605, G replaced by A.
Protein change: p.Gly202Asp; replaces glycine 202 with aspartic acid.
Molecular consequence: missense variant.
Genome position (GRCh38, 1-based): chr9:131,026,516, G>A. VCF-style: chr9-131026516-G-A. GRCh37 (hg19) VCF-style: chr9-133901903-G-A.
Other names: c.605G>A (NM_006059.3); short protein forms G202D.
Identifiers: ClinVar variation 2156490 (VCV002156490.3), dbSNP rs777628619, ClinGen allele CA5286743.